The following is an entry in ClinVar:

NM_015192.4(PLCB1):c.3626G>A (p.Gly1209Glu)

Gene: PLCB1 (phospholipase C beta 1; plus strand). Cytogenetic location: 20p12.3.
Variant type: single nucleotide variant.
Coding change: c.3626G>A on transcript NM_015192.4 (MANE Select); coding-DNA position 3626, G replaced by A.
Protein change: p.Gly1209Glu; replaces glycine 1209 with glutamic acid.
Molecular consequence: missense variant. On other transcripts: 3 prime UTR variant (1).
Genome position (GRCh38, 1-based): chr20:8,881,824, G>A. VCF-style: chr20-8881824-G-A. GRCh37 (hg19) VCF-style: chr20-8862471-G-A.
Other names: c.*222G>A (NM_182734.3); short protein forms G1209E.
Identifiers: ClinVar variation 1366995 (VCV001366995.5), dbSNP rs779064619, ClinGen allele CA9760664.

ClinVar aggregate classification (germline): Uncertain significance (1 of 4 stars; one submission).

Conditions:
Developmental and epileptic encephalopathy, 12 (DEE12). Identifiers: MedGen C3150988, MONDO:0013389, OMIM 613722.

Allele frequency attached by ClinVar (database versions not stated): ExAC 0.00001; gnomAD exomes 0.00001; TOPMed 0.00001.
gnomAD v4.1: 3 of 1,613,564 alleles (0.00019%); highest among the groups gnomAD compares: Admixed American, 0.005%; no homozygotes.

Submission:

Labcorp Genetics (formerly Invitae), Labcorp
Classification: Uncertain significance for Developmental and epileptic encephalopathy, 12. Last evaluated: 2022-01-15. Review status: criteria provided, single submitter. Criteria: Invitae Variant Classification Sherloc (09022015). Collection method: clinical testing. Allele origin: germline.
Comment: This sequence change replaces glycine, which is neutral and non-polar, with glutamic acid, which is acidic and polar, at codon 1209 of the PLCB1 protein (p.Gly1209Glu). This variant is present in population databases (rs779064619, gnomAD 0.009%). This variant has not been reported in the literature in individuals affected with PLCB1-related conditions. Algorithms developed to predict the effect of missense changes on protein structure and function output the following: SIFT: "Tolerated"; PolyPhen-2: "Benign"; Align-GVGD: "Class C0". The glutamic acid amino acid residue is found in multiple mammalian species, which suggests that this missense change does not adversely affect protein function. In summary, the available evidence is currently insufficient to determine the role of this variant in disease. Therefore, it has been classified as a Variant of Uncertain Significance.